The following is an entry in ClinVar:

ClinVar aggregate classification (germline): Likely pathogenic (1 of 4 stars; one submission).

Conditions:
Duchenne muscular dystrophy (DMD). Also called: Duchenne Muscular Dystrophy (DMD); MUSCULAR DYSTROPHY, PSEUDOHYPERTROPHIC PROGRESSIVE, DUCHENNE TYPE. Identifiers: Orphanet 98896, MedGen C0013264, MONDO:0010679, OMIM 310200.

Submission:

Labcorp Genetics (formerly Invitae), Labcorp
Classification: Likely pathogenic for Duchenne muscular dystrophy. Last evaluated: 2017-12-26. Review status: criteria provided, single submitter. Criteria: Invitae Variant Classification Sherloc (09022015). Collection method: clinical testing. Allele origin: germline.
Comment: This variant has not been reported in the literature in individuals with DMD-related disease. In summary, the currently available evidence indicates that the variant is pathogenic, but additional data are needed to prove that conclusively. Therefore, this variant has been classified as Likely Pathogenic. A smaller, overlapping in-frame deletion (exons 3-5) has been determined to be pathogenic (PMID: 14977063, 24292997). This suggests that deletion of this region of the DMD protein is causative of disease. This variant is an in-frame deletion of the genomic region encompassing exons 3-51 of the DMD gene. It preserves the integrity of the reading frame.

Literature cited by the submitters: PubMed 14977063; PubMed 24292997.

NC_000023.11:g.(?_31773940)_(32849840_?)del

Genes: DMD (dystrophin; minus strand), MIR3915 (microRNA 3915; minus strand), MIR548F5 (microRNA 548f-5; minus strand), LOC129391296 (MPRA-validated peak7373 silencer; plus strand), LOC129391297 (MPRA-validated peak7374 silencer; plus strand). Cytogenetic location: Xp21.1.
Variant type: Deletion.
Identifiers: ClinVar variation 526179 (VCV000526179.9).